The following is an entry in ClinVar:

NM_001042492.3(NF1):c.6020T>G (p.Leu2007Arg)

Gene: NF1 (neurofibromin 1; plus strand). Cytogenetic location: 17q11.2.
Variant type: single nucleotide variant.
Coding change: c.6020T>G on transcript NM_001042492.3 (MANE Select); coding-DNA position 6020, T replaced by G.
Protein change: p.Leu2007Arg; replaces leucine 2007 with arginine.
Molecular consequence: missense variant.
Genome position (GRCh38, 1-based): chr17:31,336,346, T>G. VCF-style: chr17-31336346-T-G. GRCh37 (hg19) VCF-style: chr17-29663364-T-G.
Other names: c.5957T>G, p.Leu1986Arg (NM_000267.4); short protein forms L2007R, L1986R.
Identifiers: ClinVar variation 852685 (VCV000852685.6), dbSNP rs2069668597, ClinGen allele CA399011025.

ClinVar aggregate classification (germline): Uncertain significance (1 of 4 stars; one submission).

Conditions:
Neurofibromatosis, type 1 (NF1). Also called: Neurofibromatosis, type I; VON RECKLINGHAUSEN DISEASE; Peripheral type neurofibromatosis; NEUROFIBROMATOSIS, TYPE I, SOMATIC. Identifiers: Orphanet 636, MedGen C0027831, MONDO:0018975, OMIM 162200. Disease mechanism: loss of function.

Submission:

Labcorp Genetics (formerly Invitae), Labcorp
Classification: Uncertain significance for Neurofibromatosis, type 1. Last evaluated: 2024-04-29. Review status: criteria provided, single submitter. Criteria: Invitae Variant Classification Sherloc (09022015). Collection method: clinical testing. Allele origin: germline.
Comment: This sequence change replaces leucine, which is neutral and non-polar, with arginine, which is basic and polar, at codon 1986 of the NF1 protein (p.Leu1986Arg). This variant is not present in population databases (gnomAD no frequency). This variant has not been reported in the literature in individuals affected with NF1-related conditions. ClinVar contains an entry for this variant (Variation ID: 852685). Advanced modeling of protein sequence and biophysical properties (such as structural, functional, and spatial information, amino acid conservation, physicochemical variation, residue mobility, and thermodynamic stability) performed at Invitae indicates that this missense variant is expected to disrupt NF1 protein function with a positive predictive value of 95%. In summary, the available evidence is currently insufficient to determine the role of this variant in disease. Therefore, it has been classified as a Variant of Uncertain Significance.